The following is an entry in ClinVar:

ClinVar aggregate classification (germline): Pathogenic (1 of 4 stars; one submission).

Submission:

Labcorp Genetics (formerly Invitae), Labcorp
Classification: Pathogenic. Last evaluated: 2022-10-31. Review status: criteria provided, single submitter. Criteria: Invitae Variant Classification Sherloc (09022015). Collection method: clinical testing. Allele origin: germline.
Comment: For these reasons, this variant has been classified as Pathogenic. ClinVar contains an entry for this variant (Variation ID: 1456178). This variant has not been reported in the literature in individuals affected with TUBGCP6-related conditions. This variant is not present in population databases (gnomAD no frequency). This sequence change creates a premature translational stop signal (p.Ser980*) in the TUBGCP6 gene. It is expected to result in an absent or disrupted protein product. Loss-of-function variants in TUBGCP6 are known to be pathogenic (PMID: 25344692).

Literature cited by the submitters: PubMed 25344692.

NM_020461.4(TUBGCP6):c.2939C>G (p.Ser980Ter)

Gene: TUBGCP6 (tubulin gamma complex component 6; minus strand). Cytogenetic location: 22q13.33.
Variant type: single nucleotide variant.
Coding change: c.2939C>G on transcript NM_020461.4 (MANE Select); coding-DNA position 2939, C replaced by G.
Protein change: p.Ser980Ter; replaces serine 980 with a stop codon.
Molecular consequence: nonsense.
Genome position (GRCh38, 1-based): chr22:50,221,420, G>C on the plus strand (C>G on the coding strand, the complement: TUBGCP6 is on the minus strand). VCF-style: chr22-50221420-G-C. GRCh37 (hg19) VCF-style: chr22-50659849-G-C.
Other names: short protein forms S980*.
Identifiers: ClinVar variation 1456178 (VCV001456178.6), dbSNP rs748016341, ClinGen allele CA412185901.